The following is an entry in ClinVar:

NM_000368.5(TSC1):c.1598_1599insA (p.Pro533_Glu534insTer)

Gene: TSC1 (TSC complex subunit 1; minus strand). Cytogenetic location: 9q34.13.
Variant type: Insertion.
Coding change: c.1598_1599insA on transcript NM_000368.5 (MANE Select); coding-DNA positions 1598 to 1599, A inserted.
Protein change: p.Pro533_Glu534insTer.
Molecular consequence: frameshift variant. On other transcripts: non-coding transcript variant (5).
Genome position: GRCh38 VCF-style: chr9-132905979-A-AT. GRCh37 (hg19) VCF-style: chr9-135781366-A-AT.
Other names: c.1595_1596insA, p.Pro532_Glu533insTer (NM_001162426.2, NM_001406597.1, NM_001406598.1 and 6 more transcripts); c.1445_1446insA, p.Pro482_Glu483insTer (NM_001162427.2, NM_001406610.1); c.1235_1236insA, p.Pro412_Glu413insTer (NM_001362177.2, NM_001406614.1, NM_001406615.1 and 5 more transcripts); c.1598_1599insA, p.Pro533_Glu534insTer (NM_001406592.1, NM_001406593.1, NM_001406594.1 and 7 more transcripts); c.1442_1443insA, p.Pro481_Glu482insTer (NM_001406611.1, NM_001406612.1, NM_001406613.1); c.1232_1233insA, p.Pro411_Glu412insTer (NM_001406620.1, NM_001406621.1, NM_001406622.1 and 2 more transcripts); c.647_648insA, p.Pro216_Glu217insTer (NM_001406626.1); c.644_645insA, p.Pro215_Glu216insTer (NM_001406627.1, NM_001406628.1); and 1 more.
Identifiers: ClinVar variation 3811265 (VCV003811265.1).

ClinVar aggregate classification (germline): Pathogenic (1 of 4 stars; one submission).

Conditions:
Hereditary cancer-predisposing syndrome. Also called: Neoplastic Syndromes, Hereditary; Hereditary Cancer Syndrome; Tumor predisposition; Hereditary neoplastic syndrome. Identifiers: Orphanet 140162, MedGen C0027672, MeSH D009386, MONDO:0015356.

Submission:

Ambry Genetics
Classification: Pathogenic for Hereditary cancer-predisposing syndrome. Last evaluated: 2024-12-31. Review status: criteria provided, single submitter. Criteria: Ambry Variant Classification Scheme 2023. Collection method: clinical testing. Allele origin: germline.
Comment: The c.1598_1599insA (p.E534*) alteration, located in exon 15 (coding exon 13) of the TSC1 gene, consists of an insertion of A at position 1598. This changes the amino acid glutamic acid (E) to a stop codon at codon 534. This alteration is expected to result in loss of function by premature protein truncation or nonsense-mediated mRNA decay. This variant was not reported in population-based cohorts in the Genome Aggregation Database (gnomAD). Based on the available evidence, this alteration is classified as pathogenic.